The following is an entry in ClinVar:

NM_006648.4(WNK2):c.71C>T (p.Ala24Val)

Gene: WNK2 (WNK lysine deficient protein kinase 2; plus strand). Cytogenetic location: 9q22.31.
Variant type: single nucleotide variant.
Coding change: c.71C>T on transcript NM_006648.4 (MANE Select); coding-DNA position 71, C replaced by T.
Protein change: p.Ala24Val; replaces alanine 24 with valine.
Molecular consequence: missense variant.
Genome position (GRCh38, 1-based): chr9:93,185,000, C>T. VCF-style: chr9-93185000-C-T. GRCh37 (hg19) VCF-style: chr9-95947282-C-T.
Other names: c.71C>T, p.Ala24Val (NM_001282394.3); short protein forms A24V.
Identifiers: ClinVar variation 4866729 (VCV004866729.1).

ClinVar aggregate classification (germline): Uncertain significance (1 of 4 stars; one submission).

gnomAD v4.1: 2 of 1,243,852 alleles (0.00016%); highest among the groups gnomAD compares: Non-Finnish European, 0.0002%; no homozygotes.

Submission:

Ambry Genetics
Classification: Uncertain significance. Last evaluated: 2026-06-03. Review status: criteria provided, single submitter. Criteria: Ambry Variant Classification Scheme 2023. Collection method: clinical testing. Allele origin: germline.
Comment: The p.A24V variant (also known as c.71C>T), located in coding exon 1 of the WNK2 gene, results from a C to T substitution at nucleotide position 71. The alanine at codon 24 is replaced by valine, an amino acid with similar properties. This amino acid position is conserved. In addition, this alteration is predicted to be tolerated by in silico analysis. Based on the available evidence, the clinical significance of this variant remains unclear.